The following is an entry in ClinVar:

ClinVar aggregate classification (germline): Pathogenic (1 of 4 stars; one submission).

Conditions:
Hereditary cancer-predisposing syndrome. Also called: Neoplastic Syndromes, Hereditary; Tumor predisposition; Hereditary neoplastic syndrome; Hereditary Cancer Syndrome. Identifiers: Orphanet 140162, MedGen C0027672, MeSH D009386, MONDO:0015356.

Submission:

Ambry Genetics
Classification: Pathogenic for Hereditary cancer-predisposing syndrome. Last evaluated: 2024-01-23. Review status: criteria provided, single submitter. Criteria: Ambry Variant Classification Scheme 2023. Collection method: clinical testing. Allele origin: germline.
Comment: The c.3147_3279del133 pathogenic mutation, located in coding exon 9 of the BRCA1 gene, results from a deletion of 133 nucleotides at nucleotide positions 3147 to 3279, causing a translational frameshift with a predicted alternate stop codon (p.S1050Ifs*15). This variant is considered to be rare based on population cohorts in the Genome Aggregation Database (gnomAD). This alteration is expected to result in loss of function by premature protein truncation or nonsense-mediated mRNA decay. As such, this alteration is interpreted as a disease-causing mutation.

NM_007294.4(BRCA1):c.3147_3279del (p.Ser1050fs)

Genes: BRCA1 (BRCA1 DNA repair associated; minus strand), LOC126862571 (BRD4-independent group 4 enhancer GRCh37_chr17:41243136-41244335; plus strand). Cytogenetic location: 17q21.31.
Variant type: Deletion.
Coding change: c.3147_3279del on transcript NM_007294.4 (MANE Select); coding-DNA positions 3147 to 3279, 133 bases deleted.
Protein change: p.Ser1050fs; shifts the reading frame from serine 1050.
Molecular consequence: frameshift variant. On other transcripts: intron variant (137).
Genome position (GRCh38, 1-based): chr17:43,092,252-43,092,384, 133 bases deleted. GRCh37 (hg19): chr17:41,244,271-41,244,403.
Other names: c.791-1361_791-1229del (NM_001408406.1); c.521-1352_521-1220del (NM_001408504.1, NM_001408503.1, NM_001408505.1); c.647-1352_647-1220del (NM_001408467.1, NM_001408456.1, NM_001408459.1 and 11 more transcripts); c.452-1352_452-1220del (NM_001408509.1, NM_001408508.1); c.644-1352_644-1220del (NM_001408465.1, NM_001408463.1, NM_001408470.1 and 3 more transcripts); c.584-1352_584-1220del (NM_001408475.1); c.578-1352_578-1220del (NM_001408482.1, NM_001408489.1, NM_001408479.1 and 9 more transcripts); c.524-1352_524-1220del (NM_001408499.1, NM_001408498.1, NM_001408501.1 and 3 more transcripts); and 42 more; short protein forms S1002fs, S1003fs, S1008fs, S1009fs, S1023fs, S1024fs, S1047fs, S1049fs.
Identifiers: ClinVar variation 3226134 (VCV003226134.1), dbSNP rs2552157869, ClinGen allele CA2825002531.